The following is an entry in ClinVar:

ClinVar aggregate classification (germline): Uncertain significance (1 of 4 stars; one submission).

Allele frequency attached by ClinVar (database versions not stated): gnomAD exomes below 0.00001.
gnomAD v4.1: 1 of 1,605,872 alleles (0.000062%); highest among the groups gnomAD compares: Non-Finnish European, 0.000085%; no homozygotes.

Submission:

Ambry Genetics
Classification: Uncertain significance. Last evaluated: 2022-05-26. Review status: criteria provided, single submitter. Criteria: Ambry Variant Classification Scheme 2023. Collection method: clinical testing. Allele origin: germline.
Comment: The p.I276V variant (also known as c.826A>G), located in coding exon 1 of the EGLN2 gene, results from an A to G substitution at nucleotide position 826. The isoleucine at codon 276 is replaced by valine, an amino acid with highly similar properties. This amino acid position is conserved. In addition, the in silico prediction for this alteration is inconclusive. Since supporting evidence is limited at this time, the clinical significance of this alteration remains unclear.

NM_080732.4(EGLN2):c.826A>G (p.Ile276Val)

Genes: EGLN2 (egl-9 family hypoxia inducible factor 2; plus strand), RAB4B-EGLN2 (RAB4B-EGLN2 readthrough (NMD candidate); plus strand). Cytogenetic location: 19q13.2.
Variant type: single nucleotide variant.
Coding change: c.826A>G on transcript NM_080732.4 (MANE Select); coding-DNA position 826, A replaced by G.
Protein change: p.Ile276Val; replaces isoleucine 276 with valine.
Molecular consequence: missense variant. On other transcripts: non-coding transcript variant (1).
Genome position (GRCh38, 1-based): chr19:40,801,398, A>G. VCF-style: chr19-40801398-A-G. GRCh37 (hg19) VCF-style: chr19-41307303-A-G.
Other names: c.826A>G, p.Ile276Val (NM_053046.4); short protein forms I276V.
Identifiers: ClinVar variation 1762688 (VCV001762688.2), dbSNP rs2515995798, ClinGen allele CA405956051.
Genomic context (GRCh38, chr19:40,801,398, plus strand): 5'-CTCATGGCCCATGTGGACGCCGTCATCCGCCACTGCGCAGGGCGGCTGGGCAGCTATGTC[A>G]TCAACGGGCGCACCAAGGTAAGGCTAGGTGGGGGCCTCTTTGGAGGGGCTTTGCAGCACC-3'
Protein context (NP_542770.2, residues 266-286): HCAGRLGSYV[Ile276Val]NGRTKAMVAC